The following is an entry in ClinVar:

ClinVar aggregate classification (germline): Pathogenic (1 of 4 stars; one submission).

Conditions:
Hypertrophic cardiomyopathy. Also called: HYPERTROPHIC MYOCARDIOPATHY. Identifiers: Orphanet 217569, MedGen C0007194, MeSH D002312, MONDO:0005045, HP:0001639.

Submission:

Labcorp Genetics (formerly Invitae), Labcorp
Classification: Pathogenic for Hypertrophic cardiomyopathy. Last evaluated: 2018-03-28. Review status: criteria provided, single submitter. Criteria: Invitae Variant Classification Sherloc (09022015). Collection method: clinical testing. Allele origin: germline.
Comment: Algorithms developed to predict the effect of sequence changes on RNA splicing suggest that this variant may disrupt the consensus splice site, but this prediction has not been confirmed by published transcriptional studies. For these reasons, this variant has been classified as Pathogenic. Donor and acceptor splice site variants typically lead to a loss of protein function (PMID: 16199547), and loss-of-function variants in MYBPC3 are known to be pathogenic (PMID: 19574547). A different variant affecting this nucleotide (c.821+2T>C) has been determined to be pathogenic (PMID: 23782526). This suggests that this nucleotide is important for normal RNA splicing, and that other variants at this position may also be pathogenic. This variant has not been reported in the literature in individuals with MYBPC3-related disease. This variant is not present in population databases (ExAC no frequency). This sequence change affects a donor splice site in intron 7 of the MYBPC3 gene. It is expected to disrupt RNA splicing and likely results in an absent or disrupted protein product.

Literature cited by the submitters: PubMed 16199547; PubMed 19574547; PubMed 23782526.

NM_000256.3(MYBPC3):c.821+2T>A

Gene: MYBPC3 (myosin binding protein C3; minus strand). Cytogenetic location: 11p11.2.
Variant type: single nucleotide variant.
Coding change: c.821+2T>A on transcript NM_000256.3 (MANE Select); the canonical splice donor site of the intron after coding-DNA position 821, T replaced by A.
Molecular consequence: splice donor variant.
Genome position (GRCh38, 1-based): chr11:47,347,855, A>T on the plus strand (T>A on the coding strand, the complement: MYBPC3 is on the minus strand). VCF-style: chr11-47347855-A-T. GRCh37 (hg19) VCF-style: chr11-47369406-A-T.
Identifiers: ClinVar variation 567968 (VCV000567968.9), dbSNP rs397516076, ClinGen allele CA380333734.